The following is an entry in ClinVar:

NM_004933.3(CDH15):c.2369C>T (p.Ala790Val)

Gene: CDH15 (cadherin 15; plus strand). Cytogenetic location: 16q24.3.
Variant type: single nucleotide variant.
Coding change: c.2369C>T on transcript NM_004933.3 (MANE Select); coding-DNA position 2369, C replaced by T.
Protein change: p.Ala790Val; replaces alanine 790 with valine.
Molecular consequence: missense variant.
Genome position (GRCh38, 1-based): chr16:89,195,079, C>T. VCF-style: chr16-89195079-C-T. GRCh37 (hg19) VCF-style: chr16-89261487-C-T.
Other names: short protein forms A790V.
Identifiers: ClinVar variation 434633 (VCV000434633.33), dbSNP rs146594802, ClinGen allele CA8239664.

ClinVar aggregate classification (germline): Conflicting classifications of pathogenicity. Review status: criteria provided, conflicting classifications (1 of 4 stars). 5 submissions from 5 submitters: Uncertain significance (1); Likely benign (4). Last evaluated 2024-07-01.

Conditions:
Intellectual developmental disorder, autosomal dominant 3. Also called: Intellectual disability, autosomal dominant 3. Identifiers: MedGen C2675488, MONDO:0012946, OMIM 612580.

Allele frequency attached by ClinVar (database versions not stated): ESP Exome Variant Server 0.00015; gnomAD exomes 0.00022 and 0.00025; gnomAD 0.00014 and 0.00017; ExAC 0.00019; TOPMed 0.00025.
gnomAD v4.1: 381 of 1,611,792 alleles (0.024%); highest among the groups gnomAD compares: Middle Eastern, 0.033%; no homozygotes.

Submissions (5):

CeGaT Center for Human Genetics Tuebingen
Classification: Likely benign. Last evaluated: 2024-07-01. Review status: criteria provided, single submitter. Criteria: CeGaT Center For Human Genetics Tuebingen Variant Classification Criteria Version 2. Collection method: clinical testing. Allele origin: germline. Affected: yes. Observed: 3 variant alleles.
Comment: CDH15: BP4

Ambry Genetics
Classification: Uncertain significance. Last evaluated: 2024-01-22. Review status: criteria provided, single submitter. Criteria: Ambry Variant Classification Scheme 2023. Collection method: clinical testing. Allele origin: germline.

Fulgent Genetics
Classification: Likely benign for Intellectual developmental disorder, autosomal dominant 3. Last evaluated: 2018-10-31. Review status: criteria provided, single submitter. Criteria: ACMG Guidelines, 2015. Collection method: clinical testing. Allele origin: unknown.

Genetic Services Laboratory, University of Chicago
Classification: Likely benign. Last evaluated: 2017-02-21. Review status: criteria provided, single submitter. Criteria: ACMG Guidelines, 2015. Collection method: clinical testing. Allele origin: germline. Affected: no.

Breakthrough Genomics
Classification: Likely benign. Review status: criteria provided, single submitter. Criteria: ACMG Guidelines, 2015. Collection method: not provided. Allele origin: germline. Inheritance: Autosomal dominant inheritance. Affected: yes.